The following is an entry in ClinVar:

ClinVar aggregate classification (germline): Uncertain significance (1 of 4 stars; one submission).

Conditions:
Cardiomyopathy (CMYO). Also called: Cardiomyopathies. Identifiers: Orphanet 167848, MedGen C0878544, MONDO:0004994, HP:0001638. Inheritance: Various modes of inheritance.

Submission:

Color Diagnostics, LLC DBA Color Health
Classification: Uncertain significance for Cardiomyopathy. Last evaluated: 2025-07-14. Review status: criteria provided, single submitter. Criteria: ACMG Guidelines, 2015. Collection method: clinical testing. Allele origin: germline.
Comment: This variant causes a C to A nucleotide substitution at the -10 position of intron 3 of the MYL2 gene. To our knowledge, functional studies have not been reported for this variant. This variant has not been reported in individuals affected with MYL2-related disorders in the literature. This variant has not been identified in the general population by the Genome Aggregation Database (gnomAD). The available evidence is insufficient to determine the role of this variant in disease conclusively. Therefore, this variant is classified as a Variant of Uncertain Significance.

NM_000432.4(MYL2):c.170-10C>A

Gene: MYL2 (myosin light chain 2; minus strand). Cytogenetic location: 12q24.11.
Variant type: single nucleotide variant.
Coding change: c.170-10C>A on transcript NM_000432.4 (MANE Select); 10 bases into the intron before coding-DNA position 170, C replaced by A.
Molecular consequence: intron variant. On other transcripts: missense variant (1).
Genome position (GRCh38, 1-based): chr12:110,914,300, G>T on the plus strand (C>A on the coding strand, the complement: MYL2 is on the minus strand). VCF-style: chr12-110914300-G-T. GRCh37 (hg19) VCF-style: chr12-111352104-G-T.
Other names: c.118C>A, p.Pro40Thr (NM_001406745.1); c.113-10C>A (NM_001406916.1); short protein forms P40T.
Identifiers: ClinVar variation 4757526 (VCV004757526.1).